The following is an entry in ClinVar:

ClinVar aggregate classification (germline): Likely benign. Review status: criteria provided, multiple submitters, no conflicts (2 of 4 stars). 5 submissions from 5 submitters: Likely benign (5). Last evaluated 2026-09-13.

Conditions:
Aortic aneurysm, familial thoracic 4 (AAT4). Also called: AORTIC ANEURYSM/AORTIC DISSECTION AND PATENT DUCTUS ARTERIOSUS. Identifiers: MedGen C1851504, MONDO:0007568, OMIM 132900.
Familial thoracic aortic aneurysm and aortic dissection (TAAD). Also called: Thoracic aortic aneurysms and dissections. Identifiers: Orphanet 91387, MedGen C4707243, MONDO:0019625.

Allele frequency attached by ClinVar (database versions not stated): gnomAD 0.00001; ExAC 0.00002; gnomAD exomes 0.00002 and 0.00003.
gnomAD v4.1: 32 of 1,614,032 alleles (0.002%); highest among the groups gnomAD compares: South Asian, 0.033%; no homozygotes.

Submissions (5):

Ambry Genetics
Classification: Likely benign for Familial thoracic aortic aneurysm and aortic dissection. Last evaluated: 2026-09-13. Review status: criteria provided, single submitter. Criteria: Ambry Variant Classification Scheme 2023. Collection method: clinical testing. Allele origin: germline.

Labcorp Genetics (formerly Invitae), Labcorp
Classification: Likely benign for Aortic aneurysm, familial thoracic 4. Last evaluated: 2024-03-24. Review status: criteria provided, single submitter. Criteria: Invitae Variant Classification Sherloc (09022015). Collection method: clinical testing. Allele origin: germline.

All of Us Research Program, National Institutes of Health
Classification: Likely benign for Familial thoracic aortic aneurysm and aortic dissection. Last evaluated: 2023-08-15. Review status: criteria provided, single submitter. Criteria: ACMG Guidelines, 2015. Collection method: clinical testing. Allele origin: germline. Inheritance: Autosomal dominant inheritance. Observed: 1 variant allele, 1 heterozygote.
Comment: This study involves interpretation of variants in research participants for the purpose of population health screening. Participant phenotype was not available at the time of variant classification. Additional details can be found in publication PMID: 35346344, PMCID: PMC8962531

GeneDx
Classification: Likely benign. Last evaluated: 2020-10-21. Review status: criteria provided, single submitter. Criteria: GeneDx Variant Classification Process June 2021. Collection method: clinical testing. Allele origin: germline. Affected: yes.

Color Diagnostics, LLC DBA Color Health
Classification: Likely benign for Familial thoracic aortic aneurysm and aortic dissection. Last evaluated: 2018-10-16. Review status: criteria provided, single submitter. Criteria: ACMG Guidelines, 2015. Collection method: clinical testing. Allele origin: germline.

NM_002474.3(MYH11):c.939C>G (p.Gly313=)

Gene: MYH11 (myosin heavy chain 11; minus strand). Cytogenetic location: 16p13.11.
Variant type: single nucleotide variant.
Coding change: c.939C>G on transcript NM_002474.3 (MANE Select); coding-DNA position 939, C replaced by G.
Protein change: p.Gly313=; no amino-acid change (glycine 313 retained).
Molecular consequence: synonymous variant.
Genome position (GRCh38, 1-based): chr16:15,771,663, G>C on the plus strand (C>G on the coding strand, the complement: MYH11 is on the minus strand). VCF-style: chr16-15771663-G-C. GRCh37 (hg19) VCF-style: chr16-15865520-G-C.
Other names: c.960C>G, p.Gly320= (NM_001040113.2, NM_001040114.2); c.939C>G, p.Gly313= (NM_022844.3).
Identifiers: ClinVar variation 629602 (VCV000629602.15), dbSNP rs773165722, ClinGen allele CA7922771.